The following is an entry in ClinVar:

NM_032977.4(CASP10):c.146A>G (p.Asn49Ser)

Gene: CASP10 (caspase 10; plus strand). Cytogenetic location: 2q33.1.
Variant type: single nucleotide variant.
Coding change: c.146A>G on transcript NM_032977.4 (MANE Select); coding-DNA position 146, A replaced by G.
Protein change: p.Asn49Ser; replaces asparagine 49 with serine.
Molecular consequence: missense variant.
Genome position (GRCh38, 1-based): chr2:201,185,923, A>G. VCF-style: chr2-201185923-A-G. GRCh37 (hg19) VCF-style: chr2-202050646-A-G.
Other names: c.146A>G, p.Asn49Ser (NM_001206524.2, NM_001206542.2, NM_001230.5 and 3 more transcripts); short protein forms N49S.
Identifiers: ClinVar variation 936365 (VCV000936365.12), dbSNP rs559658034, ClinGen allele CA2052784.
Genomic context (GRCh38, chr2:201,185,923, plus strand): 5'-CAAACCTGGGGGTCCAAGATGTGGAGAACCTCAAGTTTCTCTGCATAGGATTGGTCCCCA[A>G]CAAGAAGCTGGAGAAGTCCAGCTCAGCCTCAGATGTTTTTGAACATCTCTTGGCAGAGGA-3'
Protein context (NP_116759.2, residues 39-59): LKFLCIGLVP[Asn49Ser]KKLEKSSSAS

ClinVar aggregate classification (germline): Uncertain significance (1 of 4 stars; one submission).

Conditions:
Autoimmune lymphoproliferative syndrome type 2A (ALPS2A). Also called: CASP10-Related Autoimmune Lymphoproliferative Syndrome; AUTOIMMUNE LYMPHOPROLIFERATIVE SYNDROME, TYPE IIA; Autoimmune lymphoproliferative syndrome type 2. Identifiers: Orphanet 3261, MedGen C1858968, MONDO:0011383, OMIM 603909.

Allele frequency attached by ClinVar (database versions not stated): gnomAD 0.00001; gnomAD exomes 0.00001 and 0.00004; TOPMed 0.00003; ExAC 0.00007.
gnomAD v4.1: 20 of 1,614,100 alleles (0.0012%); highest among the groups gnomAD compares: Admixed American, 0.015%; no homozygotes.

Submission:

Labcorp Genetics (formerly Invitae), Labcorp
Classification: Uncertain significance for Autoimmune lymphoproliferative syndrome type 2A. Last evaluated: 2025-07-01. Review status: criteria provided, single submitter. Criteria: Invitae Variant Classification Sherloc (09022015). Collection method: clinical testing. Allele origin: germline.
Comment: This sequence change replaces asparagine, which is neutral and polar, with serine, which is neutral and polar, at codon 49 of the CASP10 protein (p.Asn49Ser). This variant is present in population databases (rs559658034, gnomAD 0.03%). This variant has not been reported in the literature in individuals affected with CASP10-related conditions. ClinVar contains an entry for this variant (Variation ID: 936365). Invitae Evidence Modeling of protein sequence and biophysical properties (such as structural, functional, and spatial information, amino acid conservation, physicochemical variation, residue mobility, and thermodynamic stability) indicates that this missense variant is not expected to disrupt CASP10 protein function with a negative predictive value of 80%. In summary, the available evidence is currently insufficient to determine the role of this variant in disease. Therefore, it has been classified as a Variant of Uncertain Significance.